The following is an entry in ClinVar:

NM_005236.3(ERCC4):c.728A>G (p.His243Arg)

Gene: ERCC4 (ERCC excision repair 4, endonuclease catalytic subunit; plus strand). Cytogenetic location: 16p13.12.
Variant type: single nucleotide variant.
Coding change: c.728A>G on transcript NM_005236.3 (MANE Select); coding-DNA position 728, A replaced by G.
Protein change: p.His243Arg; replaces histidine 243 with arginine.
Molecular consequence: missense variant.
Genome position (GRCh38, 1-based): chr16:13,928,171, A>G. VCF-style: chr16-13928171-A-G. GRCh37 (hg19) VCF-style: chr16-14022028-A-G.
Other names: short protein forms H243R.
Identifiers: ClinVar variation 888037 (VCV000888037.9), dbSNP rs144608823, ClinGen allele CA7910256.
Genomic context (GRCh38, chr16:13,928,171, plus strand): 5'-TTGCTATACAGACTGCTATACTGGACATTTTAAATGCATGTCTAAAGGAACTAAAATGCC[A>G]TAACCCATCGCTTGAAGTGGAAGATTTATCTTTAGAAAATGCTATTGGAAAACCTTTTGA-3'
Protein context (NP_005227.1, residues 233-253): LNACLKELKC[His243Arg]NPSLEVEDLS

ClinVar aggregate classification (germline): Uncertain significance. Review status: criteria provided, multiple submitters, no conflicts (2 of 4 stars). 4 submissions from 4 submitters: Uncertain significance (4). Last evaluated 2024-11-24.

Conditions:
Fanconi anemia complementation group Q. Identifiers: Orphanet 84, MedGen C3808988, MONDO:0014108, OMIM 615272.
Xeroderma pigmentosum, group F (XPF). Also called: XERODERMA PIGMENTOSUM, COMPLEMENTATION GROUP F; XERODERMA PIGMENTOSUM VI; XP, GROUP F; ERCC4-Related Xeroderma Pigmentosum; XERODERMA PIGMENTOSUM, TYPE F; Xeroderma pigmentosum, type 6. Identifiers: MedGen C0268140, MONDO:0010215, OMIM 278760.
XFE progeroid syndrome (XFEPS). Also called: XPF-ERCC1 PROGEROID SYNDROME. Identifiers: MedGen C1970416, MONDO:0012590, OMIM 610965.
Cockayne syndrome. Identifiers: Orphanet 191, MedGen C0009207, MONDO:0016006.
Inborn genetic diseases. Identifiers: MedGen C0950123, MeSH D030342.

Allele frequency attached by ClinVar (database versions not stated): gnomAD exomes below 0.00001 and 0.00001; ExAC 0.00001; gnomAD 0.00001; TOPMed 0.00001; ESP Exome Variant Server 0.00008.

Submissions (4):

Labcorp Genetics (formerly Invitae), Labcorp
Classification: Uncertain significance for Fanconi anemia complementation group Q; Xeroderma pigmentosum, group F; Cockayne syndrome. Last evaluated: 2024-11-24. Review status: criteria provided, single submitter. Criteria: Invitae Variant Classification Sherloc (09022015). Collection method: clinical testing. Allele origin: germline.
Comment: This sequence change replaces histidine, which is basic and polar, with arginine, which is basic and polar, at codon 243 of the ERCC4 protein (p.His243Arg). This variant is present in population databases (rs144608823, gnomAD 0.007%). This variant has not been reported in the literature in individuals affected with ERCC4-related conditions. ClinVar contains an entry for this variant (Variation ID: 888037). Invitae Evidence Modeling of protein sequence and biophysical properties (such as structural, functional, and spatial information, amino acid conservation, physicochemical variation, residue mobility, and thermodynamic stability) indicates that this missense variant is not expected to disrupt ERCC4 protein function with a negative predictive value of 80%. In summary, the available evidence is currently insufficient to determine the role of this variant in disease. Therefore, it has been classified as a Variant of Uncertain Significance.

Fulgent Genetics
Classification: Uncertain significance for Xeroderma pigmentosum, group F; XFE progeroid syndrome; Fanconi anemia complementation group Q. Last evaluated: 2024-02-26. Review status: criteria provided, single submitter. Criteria: ACMG Guidelines, 2015. Collection method: clinical testing. Allele origin: germline.

Ambry Genetics
Classification: Uncertain significance for Inborn genetic diseases. Last evaluated: 2022-12-01. Review status: criteria provided, single submitter. Criteria: Ambry Variant Classification Scheme 2023. Collection method: clinical testing. Allele origin: germline.

Illumina Laboratory Services, Illumina
Classification: Uncertain significance for Xeroderma pigmentosum, group F. Last evaluated: 2018-01-12. Review status: criteria provided, single submitter. Criteria: ICSL Variant Classification Criteria 13 December 2019. Collection method: clinical testing. Allele origin: germline.